The following is an entry in ClinVar:

NM_005324.5(H3-3B):c.399A>G (p.Gly133=)

Gene: H3-3B (H3.3 histone B; minus strand). Cytogenetic location: 17q25.1.
Variant type: single nucleotide variant.
Coding change: c.399A>G on transcript NM_005324.5 (MANE Select); coding-DNA position 399, A replaced by G.
Protein change: p.Gly133=; no amino-acid change (glycine 133 retained).
Molecular consequence: synonymous variant.
Genome position (GRCh38, 1-based): chr17:75,778,607, T>C on the plus strand (A>G on the coding strand, the complement: H3-3B is on the minus strand). VCF-style: chr17-75778607-T-C. GRCh37 (hg19) VCF-style: chr17-73774688-T-C.
Identifiers: ClinVar variation 4981149 (VCV004981149.1).

ClinVar aggregate classification (germline): Benign (1 of 4 stars; one submission).

Conditions:
H3-3B-related disorder. Also called: H3-3B-related condition.

gnomAD v4.1: 2,662 of 1,613,902 alleles (0.16%); highest among the groups gnomAD compares: African/African-American, 2.3%; 26 homozygotes.

Submission:

PreventionGenetics, part of Exact Sciences
Classification: Benign for H3-3B-related condition. Last evaluated: 2025-10-06. Review status: criteria provided, single submitter. Criteria: ACMG Guidelines, 2015. Collection method: clinical testing. Allele origin: germline.
Comment: This variant is classified as benign based on ACMG/AMP sequence variant interpretation guidelines (Richards et al. 2015 PMID: 25741868, with internal and published modifications).